The following is an entry in ClinVar:

ClinVar aggregate classification (germline): Uncertain significance (1 of 4 stars; one submission).

Conditions:
Leigh syndrome (NULS). Also called: Leigh's necrotizing encephalopathy; Leigh's disease; Leigh Syndrome (mtDNA deletion); Leigh Disease; Subacute necrotizing encephalopathy; Necrotizing encephalopathy infantile subacute of Leigh. Identifiers: Orphanet 506, MedGen C2931891, MONDO:0009723, OMIM 256000.

Submission:

Wong Mito Lab, Molecular and Human Genetics, Baylor College of Medicine
Classification: Uncertain significance for Leigh syndrome. Last evaluated: 2019-10-17. Review status: criteria provided, single submitter. Criteria: Modified ACMG Guidelines (Unpublished). Collection method: clinical testing. Allele origin: germline.
Comment: The NC_012920.1:m.6132G>A (YP_003024028.1:p.Gly77Ser) variant in MTCO1 gene is interpretated to be a Uncertain Significance variant based on the modified ACMG guidelines (unpublished). This variant meets the following evidence codes: PM10, PP3, PP6, PP7

NC_012920.1(MT-CO1):m.6132G>A

Gene: MT-CO1 (mitochondrially encoded cytochrome c oxidase I; plus strand).
Variant type: single nucleotide variant.
Genome position: chrM-6132-G-A.
Identifiers: ClinVar variation 692623 (VCV000692623.1), dbSNP rs1603220289, ClinGen allele CA414781926.